The following is an entry in ClinVar:

NM_000016.6(ACADM):c.989_1010del (p.Val330fs)

Gene: ACADM (acyl-CoA dehydrogenase medium chain; plus strand). Cytogenetic location: 1p31.1.
Variant type: Deletion.
Coding change: c.989_1010del on transcript NM_000016.6 (MANE Select); coding-DNA positions 989 to 1010, 22 bases deleted (TTGAACTAGCTAGAATGAGTTA).
Protein change: p.Val330fs; shifts the reading frame from valine 330.
Molecular consequence: frameshift variant.
Genome position (GRCh38, 1-based): chr1:75,761,165-75,761,186, TTGAACTAGCTAGAATGAGTTA deleted. VCF-style (leftmost placement, unchanged base first): chr1-75761164-GTTGAACTAGCTAGAATGAGTTA-G. GRCh37 (hg19) VCF-style: chr1-76226849-GTTGAACTAGCTAGAATGAGTTA-G.
Other names: c.989_1010delTTGAACTAGCTAGAATGAGTTA (NM_000016.5); c.1001_1022del, p.Val334fs (NM_001127328.3); c.881_902del, p.Val294fs (NM_001286042.2); c.1088_1109del, p.Val363fs (NM_001286043.2); c.422_443del, p.Val141fs (NM_001286044.2); short protein forms V294fs, V334fs, V363fs, V141fs, V330fs.
Identifiers: ClinVar variation 458791 (VCV000458791.7), dbSNP rs1553127172, ClinGen allele CA658656942.

ClinVar aggregate classification (germline): Pathogenic (1 of 4 stars; one submission).

Conditions:
Medium-chain acyl-coenzyme A dehydrogenase deficiency (ACADMD). Also called: MCADH DEFICIENCY; MCADD; Medium chain acyl-CoA dehydrogenase deficiency; CARNITINE DEFICIENCY SECONDARY TO MEDIUM-CHAIN ACYL-CoA DEHYDROGENASE DEFICIENCY; ACADM DEFICIENCY; MCAD Deficiency. Identifiers: Orphanet 42, MedGen C0220710, MONDO:0008721, OMIM 201450.

Submission:

Labcorp Genetics (formerly Invitae), Labcorp
Classification: Pathogenic for Medium-chain acyl-coenzyme A dehydrogenase deficiency. Last evaluated: 2017-09-24. Review status: criteria provided, single submitter. Criteria: Invitae Variant Classification Sherloc (09022015). Collection method: clinical testing. Allele origin: germline.
Comment: This sequence change deletes 22 nucleotides from exon 11 of the ACADM mRNA (c.989_1010delTTGAACTAGCTAGAATGAGTTA), causing a frameshift at codon 330. This creates a premature translational stop signal (p.Val330Alafs*32) and is expected to result in an absent or disrupted protein product. While this particular variant has not been reported in the literature, loss of function variants in ACADM are known to be pathogenic (PMID: 8198141, 20434380). For these reasons, this variant has been classified as Pathogenic.

Literature cited by the submitters: PubMed 8198141; PubMed 20434380.